The following is an entry in ClinVar:

NM_006231.4(POLE):c.5284C>T (p.Gln1762Ter)

Gene: POLE (DNA polymerase epsilon, catalytic subunit; minus strand). Cytogenetic location: 12q24.33.
Variant type: single nucleotide variant.
Coding change: c.5284C>T on transcript NM_006231.4 (MANE Select); coding-DNA position 5284, C replaced by T.
Protein change: p.Gln1762Ter; replaces glutamine 1762 with a stop codon.
Molecular consequence: nonsense.
Genome position (GRCh38, 1-based): chr12:132,641,741, G>A on the plus strand (C>T on the coding strand, the complement: POLE is on the minus strand). VCF-style: chr12-132641741-G-A. GRCh37 (hg19) VCF-style: chr12-133218327-G-A.
Other names: short protein forms Q1762*.
Identifiers: ClinVar variation 825617 (VCV000825617.15), dbSNP rs767221835, ClinGen allele CA246302750.
Genomic context (GRCh38, chr12:132,641,741, plus strand): 5'-AGCTGGCCGGGGCACTGGCAGCCTGACCACCCGTGATCATGTCCTCCAGGGAGGCCTGCT[G>A]GATCACGTCGAAGCTGATCCCCATGCTGTCGGCCCCCTCCATGTCGTTGACATGGTGAGA-3'

ClinVar aggregate classification (germline): Conflicting classifications of pathogenicity. Review status: criteria provided, conflicting classifications (1 of 4 stars). 2 submissions from 2 submitters: Pathogenic (1); Uncertain significance (1). Last evaluated 2026-01-21.

Conditions:
Hereditary cancer-predisposing syndrome. Also called: Hereditary Cancer Syndrome; Tumor predisposition; Neoplastic Syndromes, Hereditary; Hereditary neoplastic syndrome. Identifiers: Orphanet 140162, MedGen C0027672, MeSH D009386, MONDO:0015356.

Allele frequency attached by ClinVar (database versions not stated): gnomAD exomes 0.00001.
gnomAD v4.1: 12 of 1,612,474 alleles (0.00074%); highest among the groups gnomAD compares: Non-Finnish European, 0.001%; no homozygotes.

Submissions (2):

Labcorp Genetics (formerly Invitae), Labcorp
Classification: Pathogenic. Last evaluated: 2026-01-21. Review status: criteria provided, single submitter. Criteria: Invitae Variant Classification Sherloc (09022015). Collection method: clinical testing. Allele origin: germline.
Comment: This sequence change creates a premature translational stop signal (p.Gln1762*) in the POLE gene. It is expected to result in an absent or disrupted protein product. Loss-of-function variants in POLE are known to be pathogenic (PMID: 23230001, 25948378, 30503519). This variant is not present in population databases (gnomAD no frequency). This variant has not been reported in the literature in individuals affected with POLE-related conditions. ClinVar contains an entry for this variant (Variation ID: 825617). For these reasons, this variant has been classified as Pathogenic.

Ambry Genetics
Classification: Uncertain significance for Hereditary cancer-predisposing syndrome. Last evaluated: 2026-01-14. Review status: criteria provided, single submitter. Criteria: Ambry Variant Classification Scheme 2023. Collection method: clinical testing. Allele origin: germline.
Comment: The p.Q1762* variant (also known as c.5284C>T), located in coding exon 39 of the POLE gene, results from a C to T substitution at nucleotide position 5284. This changes the amino acid from a glutamine to a stop codon within coding exon 39. This alteration is expected to result in loss of function by premature protein truncation or nonsense-mediated mRNA decay. Although biallelic loss of function of POLE has been associated with autosomal recessive POLE deficiency, haploinsufficiency of POLE has not been established as a mechanism of disease for POLE-related polymerase proofreading-associated polyposis (PPAP) and POLE-related CMMRD-like syndrome. Based on the supporting evidence, this variant is expected to be causative of POLE deficiency when present along with a second pathogenic variant on the other allele; however, its clinical significance for PPAP and POLE-related CMMRD-like syndrome is unclear.

Literature cited by the submitters: PubMed 23230001 (cited by Labcorp Genetics (formerly Invitae), Labcorp); PubMed 25948378 (cited by Labcorp Genetics (formerly Invitae), Labcorp); PubMed 30503519 (cited by Labcorp Genetics (formerly Invitae), Labcorp).